The following is an entry in ClinVar:

NM_000059.4(BRCA2):c.4397T>C (p.Leu1466Ser)

Gene: BRCA2 (BRCA2 DNA repair associated; plus strand). Cytogenetic location: 13q13.1.
Variant type: single nucleotide variant.
Coding change: c.4397T>C on transcript NM_000059.4 (MANE Select); coding-DNA position 4397, T replaced by C.
Protein change: p.Leu1466Ser; replaces leucine 1466 with serine.
Molecular consequence: missense variant.
Genome position (GRCh38, 1-based): chr13:32,338,752, T>C. VCF-style: chr13-32338752-T-C. GRCh37 (hg19) VCF-style: chr13-32912889-T-C.
Other names: short protein forms L1466S.
Identifiers: ClinVar variation 1366749 (VCV001366749.9), dbSNP rs886040526, ClinGen allele CA387781120.

ClinVar aggregate classification (germline): Conflicting classifications of pathogenicity. Review status: criteria provided, conflicting classifications (1 of 4 stars). 2 submissions from 2 submitters: Uncertain significance (1); Likely benign (1). Last evaluated 2023-03-23.

Conditions:
Hereditary cancer-predisposing syndrome. Also called: Neoplastic Syndromes, Hereditary; Tumor predisposition; Hereditary neoplastic syndrome; Hereditary Cancer Syndrome. Identifiers: Orphanet 140162, MedGen C0027672, MeSH D009386, MONDO:0015356.
Hereditary breast ovarian cancer syndrome. Also called: Hereditary breast and ovarian cancer; Hereditary breast and/or ovarian cancer syndrome; BRCA1- and BRCA2-Associated Hereditary Breast and Ovarian Cancer; Hereditary breast and ovarian cancer syndrome; Hereditary breast and ovarian cancer syndrome (HBOC); Breast and ovarian cancer. Identifiers: Orphanet 145, MedGen C0677776, MeSH D061325, MONDO:0003582. Disease mechanism: loss of function.

Submissions (2):

University of Washington Department of Laboratory Medicine, University of Washington
Classification: Likely benign for Hereditary cancer-predisposing syndrome. Last evaluated: 2023-03-23. Review status: criteria provided, single submitter. Criteria: Dines et al. (Genet Med. 2020). Collection method: curation. Allele origin: germline.
Comment: Missense variant in a coldspot region where missense variants are very unlikely to be pathogenic (PMID:31911673).

BRCA2 exon 11 coldspot. Reclassification based on statistical prior probability.

Labcorp Genetics (formerly Invitae), Labcorp
Classification: Uncertain significance for Hereditary breast ovarian cancer syndrome. Last evaluated: 2021-07-12. Review status: criteria provided, single submitter. Criteria: Invitae Variant Classification Sherloc (09022015). Collection method: clinical testing. Allele origin: germline.
Comment: In summary, the available evidence is currently insufficient to determine the role of this variant in disease. Therefore, it has been classified as a Variant of Uncertain Significance. Advanced modeling of protein sequence and biophysical properties (such as structural, functional, and spatial information, amino acid conservation, physicochemical variation, residue mobility, and thermodynamic stability) performed at Invitae indicates that this missense variant is not expected to disrupt BRCA2 protein function. This variant has not been reported in the literature in individuals affected with BRCA2-related conditions. This variant is not present in population databases (ExAC no frequency). This sequence change replaces leucine with serine at codon 1466 of the BRCA2 protein (p.Leu1466Ser). The leucine residue is weakly conserved and there is a large physicochemical difference between leucine and serine.